The following is an entry in ClinVar:

ClinVar aggregate classification (germline): Benign (1 of 4 stars; one submission).

Conditions:
Sitosterolemia 1. Identifiers: MedGen C2749759, MONDO:0020747, OMIM 210250.

Allele frequency attached by ClinVar (database versions not stated): gnomAD 0.01843 and 0.01918; gnomAD exomes 0.00317; 1000 Genomes Project 0.02696; TOPMed 0.02015; 1000 Genomes Project 30x 0.02951.
gnomAD v4.1: 2,930 of 202,068 alleles (1.5%); highest among the groups gnomAD compares: African/African-American, 6%; 88 homozygotes.

Submission:

Illumina Laboratory Services, Illumina
Classification: Benign for Sitosterolemia 1. Last evaluated: 2018-01-12. Review status: criteria provided, single submitter. Criteria: ICSL Variant Classification Criteria 13 December 2019. Collection method: clinical testing. Allele origin: germline.
Comment: This variant was observed in the ICSL laboratory as part of a predisposition screen in an ostensibly healthy population. It had not been previously curated by ICSL or reported in the Human Gene Mutation Database (HGMD: prior to June 1st, 2018), and was therefore a candidate for classification through an automated scoring system. Utilizing variant allele frequency, disease prevalence and penetrance estimates, and inheritance mode, an automated score was calculated to assess if this variant is too frequent to cause the disease. Based on the score and internal cut-off values, a variant classified as benign is not then subjected to further curation. The score for this variant resulted in a classification of benign for this disease.

NM_022436.3(ABCG5):c.*399C>T

Genes: DYNC2LI1 (dynein cytoplasmic 2 light intermediate chain 1; plus strand), ABCG5 (ATP binding cassette subfamily G member 5; minus strand). Cytogenetic location: 2p21.
Variant type: single nucleotide variant.
Coding change: c.*399C>T on transcript NM_022436.3 (MANE Select); 399 bases downstream of the stop codon, C replaced by T.
Molecular consequence: 3 prime UTR variant. On other transcripts: intron variant (2).
Genome position (GRCh38, 1-based): chr2:43,812,717, G>A on the plus strand (C>T on the coding strand, the complement: ABCG5 is on the minus strand). VCF-style: chr2-43812717-G-A. GRCh37 (hg19) VCF-style: chr2-44039856-G-A.
Other names: c.*15+2193G>A (NM_001348913.2, NM_001348912.2).
Identifiers: ClinVar variation 336030 (VCV000336030.7), dbSNP rs79475203, ClinGen allele CA10615458.